The following is an entry in ClinVar:

ClinVar aggregate classification (germline): Uncertain significance (1 of 4 stars; one submission).

gnomAD v4.1: 3 of 1,613,722 alleles (0.00019%); highest among the groups gnomAD compares: African/African-American, 0.0013%; no homozygotes.

Submission:

Labcorp Genetics (formerly Invitae), Labcorp
Classification: Uncertain significance. Last evaluated: 2025-08-17. Review status: criteria provided, single submitter. Criteria: Invitae Variant Classification Sherloc (09022015). Collection method: clinical testing. Allele origin: germline.
Comment: This sequence change replaces aspartic acid, which is acidic and polar, with tyrosine, which is neutral and polar, at codon 195 of the FGF9 protein (p.Asp195Tyr). This variant is present in population databases (rs369272027, gnomAD 0.002%). This variant has not been reported in the literature in individuals affected with FGF9-related conditions. An algorithm developed to predict the effect of missense changes on protein structure and function (PolyPhen-2) suggests that this variant is likely to be disruptive. In summary, the available evidence is currently insufficient to determine the role of this variant in disease. Therefore, it has been classified as a Variant of Uncertain Significance.

NM_002010.3(FGF9):c.583G>T (p.Asp195Tyr)

Gene: FGF9 (fibroblast growth factor 9; plus strand). Cytogenetic location: 13q12.11.
Variant type: single nucleotide variant.
Coding change: c.583G>T on transcript NM_002010.3 (MANE Select); coding-DNA position 583, G replaced by T.
Protein change: p.Asp195Tyr; replaces aspartic acid 195 with tyrosine.
Molecular consequence: missense variant.
Genome position (GRCh38, 1-based): chr13:21,701,391, G>T. VCF-style: chr13-21701391-G-T. GRCh37 (hg19) VCF-style: chr13-22275530-G-T.
Other names: short protein forms D195Y.
Identifiers: ClinVar variation 4764353 (VCV004764353.1).